The following is an entry in ClinVar:

ClinVar aggregate classification (germline): Likely benign (1 of 4 stars; one submission).

Conditions:
Vesicoureteral reflux 2 (VUR2). Identifiers: Orphanet 289365, MedGen C1970483, MONDO:0012573, OMIM 610878.

Allele frequency attached by ClinVar (database versions not stated): ExAC 0.00008; ESP Exome Variant Server 0.00008; TOPMed 0.00008; gnomAD 0.00011; gnomAD exomes 0.00016; 1000 Genomes Project 30x 0.00031; 1000 Genomes Project 0.00040.
gnomAD v4.1: 113 of 1,611,708 alleles (0.007%); highest among the groups gnomAD compares: Middle Eastern, 0.017%; no homozygotes.

Submission:

Illumina Laboratory Services, Illumina
Classification: Likely benign for Vesicoureteral reflux 2. Last evaluated: 2018-01-13. Review status: criteria provided, single submitter. Criteria: ICSL Variant Classification Criteria 13 December 2019. Collection method: clinical testing. Allele origin: germline.
Comment: This variant was observed in the ICSL laboratory as part of a predisposition screen in an ostensibly healthy population. It had not been previously curated by ICSL or reported in the Human Gene Mutation Database (HGMD: prior to June 1st, 2018), and was therefore a candidate for classification through an automated scoring system. Utilizing variant allele frequency, disease prevalence and penetrance estimates, and inheritance mode, an automated score was calculated to assess if this variant is too frequent to cause the disease. Based on the score and internal cut-off values, a variant classified as likely benign is not then subjected to further curation. The score for this variant resulted in a classification of likely benign for this disease.

NM_001395656.1(ROBO2):c.3149-14G>A

Gene: ROBO2 (roundabout guidance receptor 2; plus strand). Cytogenetic location: 3p12.3.
Variant type: single nucleotide variant.
Coding change: c.3149-14G>A on transcript NM_001395656.1 (MANE Select); 14 bases into the intron before coding-DNA position 3149, G replaced by A.
Molecular consequence: intron variant.
Genome position (GRCh38, 1-based): chr3:77,607,784, G>A. VCF-style: chr3-77607784-G-A. GRCh37 (hg19) VCF-style: chr3-77656935-G-A.
Other names: c.3323-14G>A (NM_001378191.1, NM_001378195.1, NM_001378196.1); c.3197-14G>A (NM_001378190.1, NM_001378200.1, NM_001378201.1 and 1 more transcripts); c.3185-14G>A (NM_001128929.3); c.3344-14G>A (NM_001394213.1); c.3218-14G>A (NM_001378192.1, NM_001378198.1, NM_001378199.1); c.3335-14G>A (NM_001378194.1); c.3332-14G>A (NM_001394212.1, NM_001395657.1); c.3206-14G>A (NM_001394214.1); and 5 more.
Identifiers: ClinVar variation 346704 (VCV000346704.6), dbSNP rs188399309, ClinGen allele CA2497555.